The following is an entry in ClinVar:

NM_000238.4(KCNH2):c.2860C>T (p.Arg954Cys)

Gene: KCNH2 (potassium voltage-gated channel subfamily H member 2; minus strand). Cytogenetic location: 7q36.1.
Variant type: single nucleotide variant.
Coding change: c.2860C>T on transcript NM_000238.4 (MANE Select); coding-DNA position 2860, C replaced by T.
Protein change: p.Arg954Cys; replaces arginine 954 with cysteine.
Molecular consequence: missense variant.
Genome position (GRCh38, 1-based): chr7:150,947,711, G>A on the plus strand (C>T on the coding strand, the complement: KCNH2 is on the minus strand). VCF-style: chr7-150947711-G-A. GRCh37 (hg19) VCF-style: chr7-150644799-G-A.
Other names: p.R954C:CGC>TGC; c.2860C>T (LRG_288t1); c.2572C>T, p.Arg858Cys (NM_001406753.1); c.1840C>T, p.Arg614Cys (NM_172057.3); short protein forms R614C, R954C, R858C.
Identifiers: ClinVar variation 67444 (VCV000067444.24), dbSNP rs141401803, ClinGen allele CA007528.

ClinVar aggregate classification (germline): Uncertain significance. Review status: criteria provided, multiple submitters, no conflicts (2 of 4 stars). 8 submissions from 8 submitters: Uncertain significance (7). 1 of the submissions does not count toward it. Last evaluated 2025-10-13.

Conditions:
Cardiac arrhythmia. Also called: Cardiac rhythm disease; Arrhythmia. Identifiers: MedGen C0003811, MONDO:0007263, HP:0011675.
Cardiovascular phenotype. Identifiers: MedGen CN230736.
Long QT syndrome (LQTS). Identifiers: MedGen C0023976, MeSH D008133, MONDO:0002442. Disease mechanism: loss of function. Inheritance: Various modes of inheritance.
SUDDEN INFANT DEATH SYNDROME (SIDS). Also called: Sudden Infant Death. Identifiers: MedGen C0038644, MeSH D013398, OMIM 272120.

Allele frequency attached by ClinVar (database versions not stated): TOPMed 0.00003; gnomAD 0.00004; gnomAD exomes 0.00004 and 0.00005; ExAC 0.00008.
gnomAD v4.1: 74 of 1,580,214 alleles (0.0047%); highest among the groups gnomAD compares: Non-Finnish European, 0.0057%; no homozygotes.

Submissions (8):

Labcorp Genetics (formerly Invitae), Labcorp
Classification: Uncertain significance for Long QT syndrome. Last evaluated: 2025-10-13. Review status: criteria provided, single submitter. Criteria: Invitae Variant Classification Sherloc (09022015). Collection method: clinical testing. Allele origin: germline.
Comment: This sequence change replaces arginine, which is basic and polar, with cysteine, which is neutral and slightly polar, at codon 954 of the KCNH2 protein (p.Arg954Cys). This variant is present in population databases (rs141401803, gnomAD 0.005%). This missense change has been observed in individuals with KCNH2-related conditions and/or Long QT (PMID: 17210839, 18675227, 27930701; internal data). ClinVar contains an entry for this variant (Variation ID: 67444). An algorithm developed to predict the effect of missense changes on protein structure and function (PolyPhen-2) suggests that this variant is likely to be disruptive. Experimental studies have shown that this missense change affects KCNH2 function (PMID: 17210839, 18222468, 18675227). This variant disrupts the p.Arg954 amino acid residue in KCNH2. Other variant(s) that disrupt this residue have been observed in individuals with KCNH2-related conditions (PMID: 27026747), which suggests that this may be a clinically significant amino acid residue. In summary, the available evidence is currently insufficient to determine the role of this variant in disease. Therefore, it has been classified as a Variant of Uncertain Significance.

Molecular Diagnostic Laboratory for Inherited Cardiovascular Disease, Montreal Heart Institute
Classification: Uncertain significance for Cardiovascular phenotype. Last evaluated: 2025-07-24. Review status: criteria provided, single submitter. Criteria: ACMG Guidelines, 2015. Collection method: clinical testing. Allele origin: germline. Affected: yes.
Comment: PS3_supp, PS4_supp, PP2

Ambry Genetics
Classification: Uncertain significance for Cardiovascular phenotype. Last evaluated: 2025-06-10. Review status: criteria provided, single submitter. Criteria: Ambry Variant Classification Scheme 2023. Collection method: clinical testing. Allele origin: germline.
Comment: The c.2860C>T (p.R954C) alteration is located in exon 12 (coding exon 12) of the KCNH2 gene. This alteration results from a C to T substitution at nucleotide position 2860, causing the arginine (R) at amino acid position 954 to be replaced by a cysteine (C). Based on data from gnomAD, the T allele has an overall frequency of 0.004% (8/217960) total alleles studied. The highest observed frequency was 0.006% (6/94856) of European (non-Finnish) alleles. This alteration has been detected in a sudden infant death syndrome and sudden death cohorts (Arnestad, 2007; Sanchez, 2016). This amino acid position is well conserved in available vertebrate species. Using transient transfection of CHO cells, this alteration was reported to result in reduced ionic current (Biliczki, 2008; Rhodes, 2008). This alteration is predicted to be deleterious by in silico analysis. Based on insufficient or conflicting evidence, the clinical significance of this alteration remains unclear.

Women's Health and Genetics/Laboratory Corporation of America, LabCorp
Classification: Uncertain significance. Last evaluated: 2024-07-17. Review status: criteria provided, single submitter. Criteria: LabCorp Variant Classification Summary - May 2015. Collection method: clinical testing. Allele origin: germline.
Comment: Variant summary: KCNH2 c.2860C>T (p.Arg954Cys) results in a non-conservative amino acid change in the encoded protein sequence. Four of five in-silico tools predict a damaging effect of the variant on protein function. The variant allele was found at a frequency of 3.7e-05 in 186996 control chromosomes. c.2860C>T has been reported in the literature in individuals affected with clinical features of KCNH2-related conditions, including SIDS (e.g., Arnestad_2007) and drug-induced arrhythmia and/or prolonged QT (e.g, Biliczki_2008, Behr_2013). These data indicate that the variant may be associated with disease. At least two publications suggest the variant inhibits biophyisical properties (e.g., Biliczki_2008, Rhodes_2008). The following publications have been ascertained in the context of this evaluation (PMID: 17210839, 18222468, 18675227, 24223155). ClinVar contains an entry for this variant (Variation ID: 67444). Based on the evidence outlined above, the variant was classified as VUS-possibly pathogenic.

All of Us Research Program, National Institutes of Health
Classification: Uncertain significance for Long QT syndrome. Last evaluated: 2024-05-14. Review status: criteria provided, single submitter. Criteria: ACMG Guidelines, 2015. Collection method: clinical testing. Allele origin: germline. Inheritance: Autosomal dominant inheritance. Observed: 8 variant alleles, 8 heterozygotes.
Comment: This missense variant replaces arginine with cysteine at codon 954 of the KCNH2 protein. Computational prediction is inconclusive regarding the impact of this variant on protein structure and function (internally defined REVEL score threshold 0.5 < inconclusive < 0.7, PMID: 27666373). Experimental functional studies have shown this variant may reduce ionic current and accelerate channel deactivation (PMID: 17210839, 18222468, 18675227). This variant has been reported in individuals affected with sudden infant death syndrome (PMID: 17210839), drug-induced QT prolongation (PMID: 18675227), atrial fibrillation (Han et al., 2010), sudden unexplained death (PMID: 27930701), and sudden death suspected of being an inherited arrhythmogenic syndrome (PMID: 32268277). This variant has also been identified in 8/217960 chromosomes in the general population by the Genome Aggregation Database (gnomAD). The available evidence is insufficient to determine the role of this variant in disease conclusively. Therefore, this variant is classified as a Variant of Uncertain Significance.

This study involves interpretation of variants in research participants for the purpose of population health screening. Participant phenotype was not available at the time of variant classification. Additional details can be found in publication PMID: 35346344, PMCID: PMC8962531

Color Diagnostics, LLC DBA Color Health
Classification: Uncertain significance for Cardiac arrhythmia. Last evaluated: 2024-04-23. Review status: criteria provided, single submitter. Criteria: ACMG Guidelines, 2015. Collection method: clinical testing. Allele origin: germline.
Comment: This missense variant replaces arginine with cysteine at codon 954 of the KCNH2 protein. Computational prediction is inconclusive regarding the impact of this variant on protein structure and function (internally defined REVEL score threshold 0.5 < inconclusive < 0.7, PMID: 27666373). Experimental functional studies have shown this variant may reduce ionic current and accelerate channel deactivation (PMID: 17210839, 18222468, 18675227). This variant has been reported in individuals affected with sudden infant death syndrome (PMID: 17210839), drug-induced QT prolongation (PMID: 18675227), atrial fibrillation (Han et al., 2010), sudden unexplained death (PMID: 27930701), and sudden death suspected of being an inherited arrhythmogenic syndrome (PMID: 32268277). This variant has also been identified in 8/217960 chromosomes in the general population by the Genome Aggregation Database (gnomAD). The available evidence is insufficient to determine the role of this variant in disease conclusively. Therefore, this variant is classified as a Variant of Uncertain Significance.

GeneDx
Classification: Uncertain significance. Last evaluated: 2022-03-31. Review status: criteria provided, single submitter. Criteria: GeneDx Variant Classification Process June 2021. Collection method: clinical testing. Allele origin: germline. Affected: yes.
Comment: Observed in individuals with sudden infant death syndrome (SIDS) or sudden unexpected death (SUD) (Arnestad et al., 2007; Sanchez et al., 2016); Published functional studies demonstrate a damaging effect as this variant results in reduced channel current and significant alterations in channel biophysical properties (Rhodes et al., 2008; Biliczki et al., 2008); In silico analysis, which includes protein predictors and evolutionary conservation, supports that this variant does not alter protein structure/function; This variant is associated with the following publications: (PMID: 21778721, 23304551, 24223155, 21215473, 28316956, 26633542, 27026747, 18675227, 27930701, 34502138, 22581653, 32048431, 32268277, 17210839, 31043699, 18222468)

Cardiovascular Biomedical Research Unit, Royal Brompton & Harefield NHS Foundation Trust
No classification provided. Condition: SUDDEN INFANT DEATH SYNDROME. Review status: no classification provided. Collection method: literature only. Allele origin: germline. Not counted in ClinVar's aggregate classification.
Comment: This variant has been reported as associated with Sudden infant death syndrome in the following publications (PMID:17210839;PMID:18675227). This is a literature report, and does not necessarily reflect the clinical interpretation of the Imperial College / Royal Brompton Cardiovascular Genetics laboratory.

Literature cited by the submitters: PubMed 17210839 (cited by 6 submitters); PubMed 18675227 (cited by 6 submitters); PubMed 27930701 (cited by 4 submitters); PubMed 18222468 (cited by 5 submitters); PubMed 27026747 (cited by Labcorp Genetics (formerly Invitae), Labcorp); PubMed 24223155 (cited by Women's Health and Genetics/Laboratory Corporation of America, LabCorp); PubMed 32268277 (cited by All of Us Research Program, National Institutes of Health and Color Diagnostics, LLC DBA Color Health); PubMed 22581653 (cited by Cardiovascular Biomedical Research Unit, Royal Brompton & Harefield NHS Foundation Trust).